The following is an entry in ClinVar:

NM_173660.5(DOK7):c.562G>A (p.Glu188Lys)

Genes: DOK7 (docking protein 7; plus strand), LOC126806951 (CDK7 strongly-dependent group 2 enhancer GRCh37_chr4:3486115-3487314; plus strand). Cytogenetic location: 4p16.3.
Variant type: single nucleotide variant.
Coding change: c.562G>A on transcript NM_173660.5 (MANE Select); coding-DNA position 562, G replaced by A.
Protein change: p.Glu188Lys; replaces glutamic acid 188 with lysine.
Molecular consequence: missense variant. On other transcripts: 5 prime UTR variant (1).
Genome position (GRCh38, 1-based): chr4:3,485,568, G>A. VCF-style: chr4-3485568-G-A. GRCh37 (hg19) VCF-style: chr4-3487295-G-A.
Other names: c.551G>A, p.Arg184Gln (NM_001164673.2); c.-369G>A (NM_001256896.2); c.562G>A, p.Glu188Lys (NM_001301071.2); c.130G>A, p.Glu44Lys (NM_001363811.2); c.562G>A (NM_173660.4); short protein forms R184Q, E188K, E44K.
Identifiers: ClinVar variation 1429915 (VCV001429915.10), dbSNP rs1388813398, ClinGen allele CA356114934.

ClinVar aggregate classification (germline): Uncertain significance. Review status: criteria provided, multiple submitters, no conflicts (2 of 4 stars). 3 submissions from 3 submitters: Uncertain significance (3). Last evaluated 2024-02-24.

Conditions:
Congenital myasthenic syndrome 10. Also called: Myasthenia, limb-girdle, familial. Identifiers: Orphanet 590, MedGen C1850792, MONDO:0009690, OMIM 254300.
Fetal akinesia deformation sequence 1 (FADS1). Also called: Pena-Shokeir syndrome type I; Fetal akinesia sequence. Identifiers: Orphanet 994, MedGen C1276035, MONDO:0100101, OMIM 208150, HP:0001989.
Inborn genetic diseases. Identifiers: MedGen C0950123, MeSH D030342.

Allele frequency attached by ClinVar (database versions not stated): TOPMed below 0.00001; gnomAD 0.00001; gnomAD exomes 0.00001.
gnomAD v4.1: 32 of 1,606,242 alleles (0.002%); highest among the groups gnomAD compares: Non-Finnish European, 0.0026%; no homozygotes.

Submissions (3):

Labcorp Genetics (formerly Invitae), Labcorp
Classification: Uncertain significance for Congenital myasthenic syndrome 10; Fetal akinesia deformation sequence 1. Last evaluated: 2024-02-24. Review status: criteria provided, single submitter. Criteria: Invitae Variant Classification Sherloc (09022015). Collection method: clinical testing. Allele origin: germline.
Comment: This sequence change replaces glutamic acid, which is acidic and polar, with lysine, which is basic and polar, at codon 188 of the DOK7 protein (p.Glu188Lys). This variant is present in population databases (no rsID available, gnomAD 0.003%). This variant has not been reported in the literature in individuals affected with DOK7-related conditions. ClinVar contains an entry for this variant (Variation ID: 1429915). An algorithm developed to predict the effect of missense changes on protein structure and function (PolyPhen-2) suggests that this variant is likely to be tolerated. In summary, the available evidence is currently insufficient to determine the role of this variant in disease. Therefore, it has been classified as a Variant of Uncertain Significance.

Ambry Genetics
Classification: Uncertain significance for Inborn genetic diseases. Last evaluated: 2022-12-06. Review status: criteria provided, single submitter. Criteria: Ambry Variant Classification Scheme 2023. Collection method: clinical testing. Allele origin: germline.

Revvity Omics, Revvity
Classification: Uncertain significance. Last evaluated: 2019-04-17. Review status: criteria provided, single submitter. Criteria: ACMG Guidelines, 2015. Collection method: clinical testing. Allele origin: germline.